The following is an entry in ClinVar:

ClinVar aggregate classification (germline): Uncertain significance. Review status: criteria provided, multiple submitters, no conflicts (2 of 4 stars). 2 submissions from 2 submitters: Uncertain significance (2). Last evaluated 2025-05-01.

Conditions:
Primary ciliary dyskinesia. Also called: Ciliary dyskinesia. Identifiers: Orphanet 244, MedGen C0008780, MONDO:0016575, HP:0012265.

Allele frequency attached by ClinVar (database versions not stated): gnomAD exomes below 0.00001; gnomAD 0.00001; TOPMed 0.00002.
gnomAD v4.1: 5 of 1,612,868 alleles (0.00031%); highest among the groups gnomAD compares: Non-Finnish European, 0.00017%; no homozygotes.

Submissions (2):

Ambry Genetics
Classification: Uncertain significance for Primary ciliary dyskinesia. Last evaluated: 2025-05-01. Review status: criteria provided, single submitter. Criteria: Ambry Variant Classification Scheme 2023. Collection method: clinical testing. Allele origin: germline.

GeneDx
Classification: Uncertain significance. Last evaluated: 2021-01-07. Review status: criteria provided, single submitter. Criteria: GeneDx Variant Classification Process June 2021. Collection method: clinical testing. Allele origin: germline. Affected: yes.
Comment: Not observed in large population cohorts (Lek et al., 2016); In silico analysis supports that this missense variant does not alter protein structure/function; Has not been previously published as pathogenic or benign to our knowledge

NM_001277115.2(DNAH11):c.8672G>A (p.Arg2891Gln)

Gene: DNAH11 (dynein axonemal heavy chain 11; plus strand). Cytogenetic location: 7p15.3.
Variant type: single nucleotide variant.
Coding change: c.8672G>A on transcript NM_001277115.2 (MANE Select); coding-DNA position 8672, G replaced by A.
Protein change: p.Arg2891Gln; replaces arginine 2891 with glutamine.
Molecular consequence: missense variant.
Genome position (GRCh38, 1-based): chr7:21,748,741, G>A. VCF-style: chr7-21748741-G-A. GRCh37 (hg19) VCF-style: chr7-21788359-G-A.
Other names: short protein forms R2891Q.
Identifiers: ClinVar variation 1313899 (VCV001313899.5), dbSNP rs1317476414, ClinGen allele CA366955585.